The following is an entry in ClinVar:

NM_001848.3(COL6A1):c.2049C>T (p.Asn683=)

Gene: COL6A1 (collagen type VI alpha 1 chain; plus strand). Cytogenetic location: 21q22.3.
Variant type: single nucleotide variant.
Coding change: c.2049C>T on transcript NM_001848.3 (MANE Select); coding-DNA position 2049, C replaced by T.
Protein change: p.Asn683=; no amino-acid change (asparagine 683 retained).
Molecular consequence: synonymous variant.
Genome position (GRCh38, 1-based): chr21:46,002,053, C>T. VCF-style: chr21-46002053-C-T. GRCh37 (hg19) VCF-style: chr21-47421967-C-T.
Other names: p.Asn683=.
Identifiers: ClinVar variation 285358 (VCV000285358.42), dbSNP rs143695871, ClinGen allele CA10070732.
Genomic context (GRCh38, chr21:46,002,053, plus strand): 5'-GCAGTACAGCCACAGCCAGATGCAGGAGCACGTGAGCCTGCGCAGCCCCAGCATCCGGAA[C>T]GTGCAGGAGCTCAAGGAGTGAGTGCCCCACGCGGCCAGGACCCTCCCACCCCTCGCCCCG-3'
Protein context (NP_001839.2, residues 673-693): HVSLRSPSIR[Asn683=]VQELKEAIKS

ClinVar aggregate classification (germline): Benign/Likely benign. Review status: criteria provided, multiple submitters, no conflicts (2 of 4 stars). 6 submissions from 6 submitters: Benign (1); Likely benign (5). Last evaluated 2026-01-09.

Conditions:
COL6A1-related disorder. Also called: COL6A1-related condition.
Bethlem myopathy 1A. Also called: Bethlem myopathy 1; Bethlem Muscular Dystrophy; MYOPATHY, BENIGN CONGENITAL, WITH CONTRACTURES. Identifiers: Orphanet 610, MedGen CN029274, MONDO:0024530, OMIM 158810.

Allele frequency attached by ClinVar (database versions not stated): gnomAD exomes 0.00013 and 0.00029; ExAC 0.00043; ESP Exome Variant Server 0.00092; gnomAD 0.00130 and 0.00132; TOPMed 0.00139; 1000 Genomes Project 0.00160; 1000 Genomes Project 30x 0.00172.
gnomAD v4.1: 392 of 1,611,864 alleles (0.024%); highest among the groups gnomAD compares: African/African-American, 0.43%; no homozygotes.

Submissions (6):

Labcorp Genetics (formerly Invitae), Labcorp
Classification: Benign for Bethlem myopathy 1A. Last evaluated: 2026-01-09. Review status: criteria provided, single submitter. Criteria: Invitae Variant Classification Sherloc (09022015). Collection method: clinical testing. Allele origin: germline.

CeGaT Center for Human Genetics Tuebingen
Classification: Likely benign. Last evaluated: 2025-10-01. Review status: criteria provided, single submitter. Criteria: CeGaT Center For Human Genetics Tuebingen Variant Classification Criteria Version 2. Collection method: clinical testing. Allele origin: germline. Affected: yes. Observed: 4 variant alleles.
Comment: COL6A1: BP4, BP7

Mayo Clinic Laboratories, Mayo Clinic
Classification: Likely benign. Last evaluated: 2025-03-26. Review status: criteria provided, single submitter. Criteria: ACMG Guidelines, 2015. Collection method: clinical testing. Allele origin: germline. Observed: 1 variant allele.
Comment: BS1, BP4, BP7

PreventionGenetics, part of Exact Sciences
Classification: Likely benign for COL6A1-related condition. Last evaluated: 2025-01-06. Review status: criteria provided, single submitter. Criteria: ACMG Guidelines, 2015. Collection method: clinical testing. Allele origin: germline.
Comment: This variant is classified as likely benign based on ACMG/AMP sequence variant interpretation guidelines (Richards et al. 2015 PMID: 25741868, with internal and published modifications).

GeneDx
Classification: Likely benign. Last evaluated: 2019-10-29. Review status: criteria provided, single submitter. Criteria: GeneDx Variant Classification Process June 2021. Collection method: clinical testing. Allele origin: germline. Affected: yes.

Eurofins Ntd Llc (ga)
Classification: Likely benign. Last evaluated: 2017-01-06. Review status: criteria provided, single submitter. Criteria: EGL Classification Definitions 2015. Collection method: clinical testing. Allele origin: germline. Observed: 3 variant alleles, 3 heterozygotes.